The following is an entry in ClinVar:

ClinVar aggregate classification (germline): Benign/Likely benign. Review status: criteria provided, multiple submitters, no conflicts (2 of 4 stars). 3 submissions from 3 submitters: Benign (1); Likely benign (2). Last evaluated 2026-06-01.

gnomAD v4.1: 1,162 of 1,601,870 alleles (0.073%); highest among the groups gnomAD compares: African/African-American, 1.2%; 8 homozygotes.

Submissions (3):

CeGaT Center for Human Genetics Tuebingen
Classification: Likely benign. Last evaluated: 2026-06-01. Review status: criteria provided, single submitter. Criteria: CeGaT Center For Human Genetics Tuebingen Variant Classification Criteria Version 2. Collection method: clinical testing. Allele origin: germline. Affected: yes. Observed: 4 variant alleles.
Comment: IRF2BPL: BP4, BS1

Mayo Clinic Laboratories, Mayo Clinic
Classification: Benign. Last evaluated: 2025-05-28. Review status: criteria provided, single submitter. Criteria: ACMG Guidelines, 2015. Collection method: clinical testing. Allele origin: germline. Observed: 1 variant allele.
Comment: BS1, BS2

Blueprint Genetics
Classification: Likely benign. Last evaluated: 2024-10-24. Review status: criteria provided, single submitter. Criteria: ACMG Guidelines, 2015. Collection method: clinical testing. Allele origin: germline.

NM_024496.4(IRF2BPL):c.2031G>A (p.Gly677=)

Gene: IRF2BPL (interferon regulatory factor 2 binding protein like; minus strand). Cytogenetic location: 14q24.3.
Variant type: single nucleotide variant.
Coding change: c.2031G>A on transcript NM_024496.4 (MANE Select); coding-DNA position 2031, G replaced by A.
Protein change: p.Gly677=; no amino-acid change (glycine 677 retained).
Molecular consequence: synonymous variant.
Genome position (GRCh38, 1-based): chr14:77,025,762, C>T on the plus strand (G>A on the coding strand, the complement: IRF2BPL is on the minus strand). VCF-style: chr14-77025762-C-T. GRCh37 (hg19) VCF-style: chr14-77492105-C-T.
Other names: p.Gly677=.
Identifiers: ClinVar variation 3904889 (VCV003904889.12).